The following is an entry in ClinVar:

NM_007294.4(BRCA1):c.1942G>C (p.Glu648Gln)

Gene: BRCA1 (BRCA1 DNA repair associated; minus strand). Cytogenetic location: 17q21.31.
Variant type: single nucleotide variant.
Coding change: c.1942G>C on transcript NM_007294.4 (MANE Select); coding-DNA position 1942, G replaced by C.
Protein change: p.Glu648Gln; replaces glutamic acid 648 with glutamine.
Molecular consequence: missense variant. On other transcripts: intron variant (137).
Genome position (GRCh38, 1-based): chr17:43,093,589, C>G on the plus strand (G>C on the coding strand, the complement: BRCA1 is on the minus strand). VCF-style: chr17-43093589-C-G. GRCh37 (hg19) VCF-style: chr17-41245606-C-G.
Other names: c.1942G>C, p.Glu648Gln (NM_001407620.1, NM_001407621.1, NM_001407622.1 and 30 more transcripts); c.1939G>C, p.Glu647Gln (NM_001407627.1, NM_001407628.1, NM_001407629.1 and 22 more transcripts); c.1933G>C, p.Glu645Gln (NM_001407646.1, NM_001407647.1); c.1819G>C, p.Glu607Gln (NM_001407648.1, NM_001407664.1, NM_001407665.1 and 19 more transcripts); c.1816G>C, p.Glu606Gln (NM_001407649.1, NM_001407670.1, NM_001407671.1 and 11 more transcripts); c.1864G>C, p.Glu622Gln (NM_001407653.1, NM_001407654.1, NM_001407655.1 and 4 more transcripts); c.1861G>C, p.Glu621Gln (NM_001407659.1, NM_001407660.1, NM_001407661.1 and 1 more transcripts); c.1801G>C, p.Glu601Gln (NM_001407692.1, NM_001407694.1, NM_001407695.1 and 29 more transcripts); and 40 more; short protein forms E352Q, E480Q, E520Q, E521Q, E536Q, E537Q, E559Q, E560Q.
Identifiers: ClinVar variation 3386219 (VCV003386219.1).
Genomic context (GRCh38, chr17:43,093,589, plus strand): 5'-GTTGTAGGTTTCTGCTGTGCCTGACTGGCATTTGGTTGTACTTTTTTTTCTTTATCTCTT[C>G]ACTGCTAGAACAACTATCAATTTGCAATTCAGTACAATTAGGTGGGCTTAGATTTCTACT-3'
Protein context (NP_009225.1, residues 638-658): ELQIDSCSSS[Glu648Gln]EIKKKKYNQM

ClinVar aggregate classification (germline): Uncertain significance (1 of 4 stars; one submission).

Conditions:
BRCA1-related cancer predisposition. Identifiers: MedGen CN377757, MONDO:0700268.

Submission:

All of Us Research Program, National Institutes of Health
Classification: Uncertain significance for BRCA1-related cancer predisposition. Last evaluated: 2024-03-24. Review status: criteria provided, single submitter. Criteria: ACMG Guidelines, 2015. Collection method: clinical testing. Allele origin: germline. Inheritance: Autosomal dominant inheritance. Observed: 1 variant allele, 1 heterozygote.
Comment: This missense variant replaces glutamic acid with glutamine at codon 648 of the BRCA1 protein. Computational prediction suggests that this variant may have deleterious impact on protein structure and function. To our knowledge, functional studies have not been reported for this variant. This variant has not been reported in individuals affected with BRCA1-related disorders in the literature. This variant has not been identified in the general population by the Genome Aggregation Database (gnomAD). The available evidence is insufficient to determine the role of this variant in disease conclusively. Therefore, this variant is classified as a Variant of Uncertain Significance.

This study involves interpretation of variants in research participants for the purpose of population health screening. Participant phenotype was not available at the time of variant classification. Additional details can be found in publication PMID: 35346344, PMCID: PMC8962531